The following is an entry in ClinVar:

NM_000988.5(RPL27):c.335G>A (p.Arg112Gln)

Gene: RPL27 (ribosomal protein L27; plus strand). Cytogenetic location: 17q21.31.
Variant type: single nucleotide variant.
Coding change: c.335G>A on transcript NM_000988.5 (MANE Select); coding-DNA position 335, G replaced by A.
Protein change: p.Arg112Gln; replaces arginine 112 with glutamine.
Molecular consequence: missense variant. On other transcripts: non-coding transcript variant (1).
Genome position (GRCh38, 1-based): chr17:43,002,756, G>A. VCF-style: chr17-43002756-G-A. GRCh37 (hg19) VCF-style: chr17-41154773-G-A.
Other names: c.335G>A, p.Arg112Gln (NM_001349921.2, NM_001349922.2); short protein forms R112Q.
Identifiers: ClinVar variation 2636838 (VCV002636838.2), dbSNP rs747319203, ClinGen allele CA8588992.

ClinVar aggregate classification (germline): Uncertain significance. Review status: criteria provided, multiple submitters, no conflicts (2 of 4 stars). 2 submissions from 2 submitters: Uncertain significance (2). Last evaluated 2025-10-08.

Conditions:
RPL27-related disorder. Also called: RPL27-related condition.

Allele frequency attached by ClinVar (database versions not stated): gnomAD 0.00002; TOPMed 0.00003; ExAC 0.00002.

Submissions (2):

Ambry Genetics
Classification: Uncertain significance. Last evaluated: 2025-10-08. Review status: criteria provided, single submitter. Criteria: Ambry Variant Classification Scheme 2023. Collection method: clinical testing. Allele origin: germline.

PreventionGenetics, part of Exact Sciences
Classification: Uncertain significance for RPL27-related condition. Last evaluated: 2023-08-09. Review status: criteria provided, single submitter. Criteria: ACMG Guidelines, 2015. Collection method: clinical testing. Allele origin: germline.
Comment: The RPL27 c.335G>A variant is predicted to result in the amino acid substitution p.Arg112Gln. To our knowledge, this variant has not been reported in the literature. This variant is reported in 0.010% of alleles in individuals of East Asian descent in gnomAD. At this time, the clinical significance of this variant is uncertain due to the absence of conclusive functional and genetic evidence.